The following is an entry in ClinVar:

NM_144596.4(TTC8):c.605A>G (p.His202Arg)

Gene: TTC8 (tetratricopeptide repeat domain 8; plus strand). Cytogenetic location: 14q31.3.
Variant type: single nucleotide variant.
Coding change: c.605A>G on transcript NM_144596.4 (MANE Select); coding-DNA position 605, A replaced by G.
Protein change: p.His202Arg; replaces histidine 202 with arginine.
Molecular consequence: missense variant. On other transcripts: 5 prime UTR variant (1), non-coding transcript variant (1), intron variant (1).
Genome position (GRCh38, 1-based): chr14:88,843,831, A>G. VCF-style: chr14-88843831-A-G. GRCh37 (hg19) VCF-style: chr14-89310175-A-G.
Other names: c.575A>G, p.His192Arg (NM_001288781.1, NM_001366535.2, NM_198309.3); c.-173A>G (NM_001288783.1); c.485A>G, p.His162Arg (NM_001366536.2, NM_198310.3); c.30+2274A>G (NM_001288782.1); short protein forms H162R, H192R, H202R.
Identifiers: ClinVar variation 3345112 (VCV003345112.1).

ClinVar aggregate classification (germline): Uncertain significance (0 of 4 stars; one submission).

Conditions:
TTC8-related disorder. Also called: TTC8-related condition.

Submission:

PreventionGenetics, part of Exact Sciences
Classification: Uncertain significance for TTC8-related condition. Last evaluated: 2024-08-15. Review status: no assertion criteria provided. Collection method: clinical testing. Allele origin: germline.
Comment: The TTC8 c.605A>G variant is predicted to result in the amino acid substitution p.His202Arg. To our knowledge, this variant has not been reported in the literature or in a large population database, indicating this variant is rare. At this time, the clinical significance of this variant is uncertain due to the absence of conclusive functional and genetic evidence.